The following is an entry in ClinVar:

ClinVar aggregate classification (germline): Uncertain significance. Review status: criteria provided, multiple submitters, no conflicts (2 of 4 stars). 2 submissions from 2 submitters: Uncertain significance (2). Last evaluated 2024-11-16.

Conditions:
Hereditary cancer-predisposing syndrome. Also called: Tumor predisposition; Neoplastic Syndromes, Hereditary; Hereditary neoplastic syndrome; Hereditary Cancer Syndrome. Identifiers: Orphanet 140162, MedGen C0027672, MeSH D009386, MONDO:0015356.

gnomAD v4.1: 2 of 1,211,764 alleles (0.00017%); highest among the groups gnomAD compares: Non-Finnish European, 0.00021%; no homozygotes.

Submissions (2):

Ambry Genetics
Classification: Uncertain significance for Hereditary cancer-predisposing syndrome. Last evaluated: 2024-11-16. Review status: criteria provided, single submitter. Criteria: Ambry Variant Classification Scheme 2023. Collection method: clinical testing. Allele origin: germline.
Comment: The p.G5V variant (also known as c.14G>T), located in coding exon 1 of the PTCH1 gene, results from a G to T substitution at nucleotide position 14. The glycine at codon 5 is replaced by valine, an amino acid with dissimilar properties. This amino acid position is conserved. In addition, this alteration is predicted to be tolerated by in silico analysis. Based on the available evidence, the clinical significance of this variant remains unclear.

GeneDx
Classification: Uncertain significance. Last evaluated: 2024-01-05. Review status: criteria provided, single submitter. Criteria: GeneDx Variant Classification Process June 2021. Collection method: clinical testing. Allele origin: germline. Affected: yes.
Comment: Not observed at significant frequency in large population cohorts (gnomAD); In silico analysis supports that this missense variant does not alter protein structure/function; Has not been previously published as pathogenic or benign to our knowledge

NM_000264.5(PTCH1):c.14G>T (p.Gly5Val)

Genes: PTCH1 (patched 1; minus strand), LOC130002133 (ATAC-STARR-seq lymphoblastoid silent region 20071; plus strand). Cytogenetic location: 9q22.32.
Variant type: single nucleotide variant.
Coding change: c.14G>T on transcript NM_000264.5 (MANE Select); coding-DNA position 14, G replaced by T.
Protein change: p.Gly5Val; replaces glycine 5 with valine.
Molecular consequence: missense variant. On other transcripts: non-coding transcript variant (1), intron variant (3).
Genome position (GRCh38, 1-based): chr9:95,508,348, C>A on the plus strand (G>T on the coding strand, the complement: PTCH1 is on the minus strand). VCF-style: chr9-95508348-C-A. GRCh37 (hg19) VCF-style: chr9-98270630-C-A.
Other names: c.14G>T, p.Gly5Val (NM_001354918.2); c.199-1749G>T (NM_001083603.3); c.4-1749G>T (NM_001083602.3, NM_001354919.2); short protein forms G5V.
Identifiers: ClinVar variation 3367479 (VCV003367479.2).